The following is an entry in ClinVar:

ClinVar aggregate classification (germline): Uncertain significance (1 of 4 stars; one submission).

Conditions:
Cardiovascular phenotype. Identifiers: MedGen CN230736.

Allele frequency attached by ClinVar (database versions not stated): gnomAD exomes below 0.00001.
gnomAD v4.1: 1 of 1,612,794 alleles (0.000062%); highest among the groups gnomAD compares: Non-Finnish European, 0.000085%; no homozygotes.

Submission:

Ambry Genetics
Classification: Uncertain significance for Cardiovascular phenotype. Last evaluated: 2020-11-25. Review status: criteria provided, single submitter. Criteria: Ambry Variant Classification Scheme 2023. Collection method: clinical testing. Allele origin: germline.
Comment: The p.M927K variant (also known as c.2780T>A), located in coding exon 19 of the TRPM4 gene, results from a T to A substitution at nucleotide position 2780. The methionine at codon 927 is replaced by lysine, an amino acid with similar properties. This amino acid position is not well conserved in available vertebrate species. In addition, the in silico prediction for this alteration is inconclusive. Since supporting evidence is limited at this time, the clinical significance of this alteration remains unclear.

NM_017636.4(TRPM4):c.2780T>A (p.Met927Lys)

Gene: TRPM4 (transient receptor potential cation channel subfamily M member 4; plus strand). Cytogenetic location: 19q13.33.
Variant type: single nucleotide variant.
Coding change: c.2780T>A on transcript NM_017636.4 (MANE Select); coding-DNA position 2780, T replaced by A.
Protein change: p.Met927Lys; replaces methionine 927 with lysine.
Molecular consequence: missense variant.
Genome position (GRCh38, 1-based): chr19:49,200,612, T>A. VCF-style: chr19-49200612-T-A. GRCh37 (hg19) VCF-style: chr19-49703869-T-A.
Other names: c.2345T>A, p.Met782Lys (NM_001195227.2); c.2435T>A, p.Met812Lys (NM_001321281.2); c.1172T>A, p.Met391Lys (NM_001321282.2); c.2258T>A, p.Met753Lys (NM_001321283.2); c.1718T>A, p.Met573Lys (NM_001321285.2); short protein forms M782K, M753K, M391K, M573K, M812K, M927K.
Identifiers: ClinVar variation 1795924 (VCV001795924.2), dbSNP rs2514203179, ClinGen allele CA406811539.
Genomic context (GRCh38, chr19:49,200,612, plus strand): 5'-ATAGGGGTGGGGCCAGAGTAGGAAAGGGCGGGGCCAGACTCAGCCACATCTCCCCACAGA[T>A]GAAGGACGTGTTCTTCTTCCTCTTCTTCCTCGGCGTGTGGCTGGTAGCCTATGGCGTGGC-3'
Protein context (NP_060106.2, residues 917-937): GPKIVIVSKM[Met927Lys]KDVFFFLFFL